The following is an entry in ClinVar:

ClinVar aggregate classification (germline): Uncertain significance. Review status: criteria provided, multiple submitters, no conflicts (2 of 4 stars). 2 submissions from 2 submitters: Uncertain significance (2). Last evaluated 2018-09-25.

Conditions:
Saldino-Mainzer syndrome (SRTD9). Also called: CONORENAL SYNDROME; Renal dysplasia, retinal pigmentary dystrophy, cerebellar ataxia and skeletal dysplasia; short-rib thoracic dysplasia 9 with or without polydactyly; SHORT-RIB THORACIC DYSPLASIA 9 WITHOUT POLYDACTYLY. Identifiers: Orphanet 140969, MedGen C1849437, MONDO:0009964, OMIM 266920.

Allele frequency attached by ClinVar (database versions not stated): ExAC 0.00003; gnomAD 0.00003 and 0.00004; gnomAD exomes 0.00003 and 0.00005; TOPMed 0.00003; ESP Exome Variant Server 0.00008.
gnomAD v4.1: 55 of 1,614,124 alleles (0.0034%); highest among the groups gnomAD compares: Middle Eastern, 0.033%; no homozygotes.

Submissions (2):

Baylor Genetics
Classification: Uncertain significance for Saldino-Mainzer syndrome. Last evaluated: 2018-09-25. Review status: criteria provided, single submitter. Criteria: ACMG Guidelines, 2015. Collection method: clinical testing. Allele origin: paternal. Affected: yes.
Comment: This variant was determined to be of uncertain significance according to ACMG Guidelines, 2015 [PMID:25741868].

Breakthrough Genomics
Classification: Uncertain significance. Review status: criteria provided, single submitter. Criteria: ACMG Guidelines, 2015. Collection method: not provided. Allele origin: germline. Inheritance: Autosomal recessive inheritance. Affected: yes.

NM_014714.4(IFT140):c.2399+3051G>A

Genes: IFT140 (intraflagellar transport 140; minus strand), TMEM204 (transmembrane protein 204; plus strand). Cytogenetic location: 16p13.3.
Variant type: single nucleotide variant.
Coding change: c.2399+3051G>A on transcript NM_014714.4 (MANE Select); 3051 bases into the intron after coding-DNA position 2399, G replaced by A.
Molecular consequence: intron variant. On other transcripts: missense variant (2).
Genome position (GRCh38, 1-based): chr16:1,554,884, C>T on the plus strand (G>A on the coding strand, the complement: IFT140 is on the minus strand). VCF-style: chr16-1554884-C-T. GRCh37 (hg19) VCF-style: chr16-1604885-C-T.
Other names: c.539C>T, p.Thr180Met (NM_001256541.2, NM_024600.6); short protein forms T180M.
Identifiers: ClinVar variation 1031842 (VCV001031842.3), dbSNP rs369025963, ClinGen allele CA7813858.
Genomic context (GRCh38, chr16:1,554,884, plus strand): 5'-GCCCATACACCAACCTGTCCTGGTCCTGCTACCTGAACATTGGCGCCTGCCTTCTGGCCA[C>T]GCTGGCGGCAGCCATGCTCATCTGGAACATTCTCCACAAGAGGGAGGACTGCATGGCCCC-3'